The following is an entry in ClinVar:

NM_004208.4(AIFM1):c.365A>C (p.Glu122Ala)

Genes: AIFM1 (apoptosis inducing factor mitochondria associated 1; minus strand), RAB33A (RAB33A, member RAS oncogene family; plus strand). Cytogenetic location: Xq26.1.
Variant type: single nucleotide variant.
Coding change: c.365A>C on transcript NM_004208.4 (MANE Select); coding-DNA position 365, A replaced by C.
Protein change: p.Glu122Ala; replaces glutamic acid 122 with alanine.
Molecular consequence: missense variant. On other transcripts: non-coding transcript variant (1).
Genome position (GRCh38, 1-based): chrX:130,147,861, T>G on the plus strand (A>C on the coding strand, the complement: AIFM1 is on the minus strand). VCF-style: chrX-130147861-T-G. GRCh37 (hg19) VCF-style: chrX-129281836-T-G.
Other names: c.365A>C, p.Glu122Ala (NM_001130847.4); c.353A>C, p.Glu118Ala (NM_145812.3); short protein forms E118A, E122A.
Identifiers: ClinVar variation 1308008 (VCV001308008.2), dbSNP rs2030812042, ClinGen allele CA414589328.

ClinVar aggregate classification (germline): Uncertain significance (1 of 4 stars; one submission).

Allele frequency attached by ClinVar (database versions not stated): TOPMed below 0.00001; gnomAD exomes 0.00002.
gnomAD v4.1: 17 of 1,211,574 alleles (0.0014%); highest among the groups gnomAD compares: Non-Finnish European, 0.0019%; no homozygotes.

Submission:

GeneDx
Classification: Uncertain significance. Last evaluated: 2019-03-13. Review status: criteria provided, single submitter. Criteria: GeneDx Variant Classification Process June 2021. Collection method: clinical testing. Allele origin: germline. Affected: yes.
Comment: Not observed in large population cohorts (Lek et al., 2016); In silico analysis, which includes protein predictors and evolutionary conservation, supports that this variant does not alter protein structure/function; Has not been previously published as pathogenic or benign to our knowledge